The following is an entry in ClinVar:

ClinVar aggregate classification (germline): Uncertain significance (1 of 4 stars; one submission).

Conditions:
Myopathy, tubular aggregate, 1 (TAM1). Identifiers: MedGen C4011726, MONDO:0024531, OMIM 160565.
Stormorken syndrome (STRMK). Also called: THROMBOCYTOPATHY, ASPLENIA, AND MIOSIS. Identifiers: Orphanet 3204, MedGen C1861451, MONDO:0008497, OMIM 185070.
Combined immunodeficiency due to STIM1 deficiency. Also called: STIM1 DEFICIENCY; IMMUNODEFICIENCY 10. Identifiers: Orphanet 169090, Orphanet 317430, MedGen C2748557, MONDO:0013008, OMIM 612783.

Allele frequency attached by ClinVar (database versions not stated): gnomAD exomes below 0.00001.
gnomAD v4.1: 2 of 1,614,176 alleles (0.00012%); highest among the groups gnomAD compares: Non-Finnish European, 0.00017%; no homozygotes.

Submission:

Labcorp Genetics (formerly Invitae), Labcorp
Classification: Uncertain significance for Myopathy with tubular aggregates; Immune dysfunction with T-cell inactivation due to calcium entry defect 2; Stormorken syndrome. Last evaluated: 2018-08-22. Review status: criteria provided, single submitter. Criteria: Invitae Variant Classification Sherloc (09022015). Collection method: clinical testing. Allele origin: germline.
Comment: This sequence change replaces alanine with valine at codon 582 of the STIM1 protein (p.Ala582Val). The alanine residue is weakly conserved and there is a small physicochemical difference between alanine and valine. This variant is not present in population databases (ExAC no frequency). This variant has not been reported in the literature in individuals with STIM1-related disease. Algorithms developed to predict the effect of missense changes on protein structure and function (SIFT, PolyPhen-2, Align-GVGD) all suggest that this variant is likely to be tolerated, but these predictions have not been confirmed by published functional studies and their clinical significance is uncertain. In summary, the available evidence is currently insufficient to determine the role of this variant in disease. Therefore, it has been classified as a Variant of Uncertain Significance.

NM_001382567.1(STIM1):c.1838C>T (p.Ala613Val)

Genes: STIM1 (stromal interaction molecule 1; plus strand), LOC124418421 (Sharpr-MPRA regulatory region 9588; plus strand). Cytogenetic location: 11p15.4.
Variant type: single nucleotide variant.
Coding change: c.1838C>T on transcript NM_001382567.1 (MANE Select); coding-DNA position 1838, C replaced by T.
Protein change: p.Ala613Val; replaces alanine 613 with valine.
Molecular consequence: missense variant. On other transcripts: 3 prime UTR variant (4), non-coding transcript variant (3).
Genome position (GRCh38, 1-based): chr11:4,091,485, C>T. VCF-style: chr11-4091485-C-T. GRCh37 (hg19) VCF-style: chr11-4112715-C-T.
Other names: c.2063C>T, p.Ala688Val (NM_001277961.3); c.*159C>T (NM_001277962.2, NM_001382578.1, NM_001382579.1 and 1 more transcripts); c.1841C>T, p.Ala614Val (NM_001382566.1); c.1766C>T, p.Ala589Val (NM_001382568.1); c.1610C>T, p.Ala537Val (NM_001382569.1); c.1517C>T, p.Ala506Val (NM_001382570.1); c.1265C>T, p.Ala422Val (NM_001382571.1); c.1523C>T, p.Ala508Val (NM_001382575.1, NM_001382576.1, NM_001382577.1); and 2 more; short protein forms A688V, A582V, A419V, A422V, A506V, A508V, A537V, A589V.
Identifiers: ClinVar variation 649175 (VCV000649175.1), dbSNP rs1590703419, ClinGen allele CA379197209.